The following is an entry in ClinVar:

NM_000141.5(FGFR2):c.1083A>C (p.Pro361=)

Gene: FGFR2 (fibroblast growth factor receptor 2; minus strand). Cytogenetic location: 10q26.13.
Variant type: single nucleotide variant.
Coding change: c.1083A>C on transcript NM_000141.5 (MANE Select); coding-DNA position 1083, A replaced by C.
Protein change: p.Pro361=; no amino-acid change (proline 361 retained).
Molecular consequence: synonymous variant. On other transcripts: non-coding transcript variant (1), intron variant (5).
Genome position (GRCh38, 1-based): chr10:121,517,320, T>G on the plus strand (A>C on the coding strand, the complement: FGFR2 is on the minus strand). VCF-style: chr10-121517320-T-G. GRCh37 (hg19) VCF-style: chr10-123276834-T-G.
Other names: c.816A>C, p.Pro272= (NM_001144915.2, NM_023029.3); c.738A>C, p.Pro246= (NM_001144916.2, NM_001144918.2); c.399A>C, p.Pro133= (NM_001320654.2); c.1083A>C, p.Pro361= (NM_001320658.2); c.749-2001A>C (NM_001144914.1); c.939+2659A>C (NM_001144917.2); c.1087+1362A>C (NM_022970.4, NM_001144913.1); c.820+1362A>C (NM_001144919.2).
Identifiers: ClinVar variation 3767801 (VCV003767801.1).

ClinVar aggregate classification (germline): Uncertain significance (1 of 4 stars; one submission).

Submission:

GeneDx
Classification: Uncertain significance. Last evaluated: 2024-09-04. Review status: criteria provided, single submitter. Criteria: GeneDx Variant Classification Process June 2021. Collection method: clinical testing. Allele origin: germline. Affected: yes.
Comment: Not observed at significant frequency in large population cohorts (gnomAD); In silico analysis supports a deleterious effect on splicing; Has not been previously published as pathogenic or benign to our knowledge